The following is an entry in ClinVar:

NM_025114.4(CEP290):c.1024C>T (p.Gln342Ter)

Gene: CEP290 (centrosomal protein 290; minus strand). Cytogenetic location: 12q21.32.
Variant type: single nucleotide variant.
Coding change: c.1024C>T on transcript NM_025114.4 (MANE Select); coding-DNA position 1024, C replaced by T.
Protein change: p.Gln342Ter; replaces glutamine 342 with a stop codon.
Molecular consequence: nonsense.
Genome position (GRCh38, 1-based): chr12:88,126,357, G>A on the plus strand (C>T on the coding strand, the complement: CEP290 is on the minus strand). VCF-style: chr12-88126357-G-A. GRCh37 (hg19) VCF-style: chr12-88520134-G-A.
Other names: short protein forms Q342*.
Identifiers: ClinVar variation 3763789 (VCV003763789.3).

ClinVar aggregate classification (germline): Pathogenic. Review status: criteria provided, multiple submitters, no conflicts (2 of 4 stars). 2 submissions from 2 submitters: Pathogenic (2). Last evaluated 2025-03-14.

Conditions:
Joubert syndrome. Also called: JOUBERT-BOLTSHAUSER SYNDROME; Familial aplasia of the vermis. Identifiers: Orphanet 475, MedGen C5979921, MONDO:0018772.
Nephronophthisis. Also called: Juvenile Nephronophthisis. Identifiers: Orphanet 655, MedGen C0687120, MONDO:0019005, HP:0000090.
Meckel-Gruber syndrome. Also called: DYSENCEPHALIA SPLANCHNOCYSTICA; GRUBER SYNDROME; Dysencephalia splachnocystica. Identifiers: Orphanet 564, MedGen C0265215, MONDO:0018921.
CEP290-related ciliopathy. Also called: CEP290 ciliopathy. Identifiers: MedGen CN305601, MONDO:0100451.

gnomAD v4.1: 2 of 1,504,524 alleles (0.00013%); highest among the groups gnomAD compares: Admixed American, 0.0025%; no homozygotes.

Submissions (2):

Myriad Genetics, Inc.
Classification: Pathogenic for CEP290-related ciliopathy. Last evaluated: 2025-03-14. Review status: criteria provided, single submitter. Criteria: Myriad Autosomal Dominant, Autosomal Recessive and X-Linked Classification Criteria (2023). Collection method: clinical testing. Allele origin: unknown.
Comment: NM_025114.3(CEP290):c.1024C>T(Q342*) is expected to be pathogenic in the context of CEP290-related disorders. This variant is predicted to lead to an abnormal or absent protein product due to the creation of a premature termination codon in CEP290, a gene where loss-of-function variants are known to be pathogenic. Please note: this variant was assessed in the context of healthy population screening.

Labcorp Genetics (formerly Invitae), Labcorp
Classification: Pathogenic for Joubert syndrome; Meckel-Gruber syndrome; Nephronophthisis. Last evaluated: 2024-10-24. Review status: criteria provided, single submitter. Criteria: Invitae Variant Classification Sherloc (09022015). Collection method: clinical testing. Allele origin: germline.
Comment: This sequence change creates a premature translational stop signal (p.Gln342*) in the CEP290 gene. It is expected to result in an absent or disrupted protein product. Loss-of-function variants in CEP290 are known to be pathogenic (PMID: 16909394, 17345604, 20690115). This variant is not present in population databases (gnomAD no frequency). This variant has not been reported in the literature in individuals affected with CEP290-related conditions. Algorithms developed to predict the effect of sequence changes on RNA splicing suggest that this variant may disrupt the consensus splice site. For these reasons, this variant has been classified as Pathogenic.

Literature cited by the submitters: PubMed 16909394 (cited by Labcorp Genetics (formerly Invitae), Labcorp); PubMed 17345604 (cited by Labcorp Genetics (formerly Invitae), Labcorp); PubMed 20690115 (cited by Labcorp Genetics (formerly Invitae), Labcorp).